The following is an entry in ClinVar:

ClinVar aggregate classification (germline): Pathogenic (1 of 4 stars; one submission).

Conditions:
Fanconi anemia (FA). Also called: Fanconi's anemia. Identifiers: Orphanet 84, MedGen C0015625, MeSH D005199, MONDO:0019391.

Allele frequency attached by ClinVar (database versions not stated): gnomAD exomes below 0.00001.

Submission:

Labcorp Genetics (formerly Invitae), Labcorp
Classification: Pathogenic for Fanconi anemia. Last evaluated: 2022-10-15. Review status: criteria provided, single submitter. Criteria: Invitae Variant Classification Sherloc (09022015). Collection method: clinical testing. Allele origin: germline.
Comment: For these reasons, this variant has been classified as Pathogenic. This variant has not been reported in the literature in individuals affected with FANCD2-related conditions. This variant is not present in population databases (gnomAD no frequency). This sequence change creates a premature translational stop signal (p.Ala1009Profs*12) in the FANCD2 gene. It is expected to result in an absent or disrupted protein product. Loss-of-function variants in FANCD2 are known to be pathogenic (PMID: 17436244).

Literature cited by the submitters: PubMed 17436244.

NM_001018115.3(FANCD2):c.3024del (p.Ala1009fs)

Gene: FANCD2 (FA complementation group D2; plus strand). Cytogenetic location: 3p25.3.
Variant type: Deletion.
Coding change: c.3024del on transcript NM_001018115.3 (MANE Select); coding-DNA position 3024, one base deleted (T; older notation c.3024delT).
Protein change: p.Ala1009fs; shifts the reading frame from alanine 1009.
Molecular consequence: frameshift variant.
Genome position (GRCh38, 1-based): chr3:10,081,147, T deleted. VCF-style (leftmost placement, unchanged base first): chr3-10081146-CT-C. GRCh37 (hg19) VCF-style: chr3-10122830-CT-C.
Other names: c.3024del, p.Ala1009fs (NM_001319984.2, NM_001374254.1, NM_033084.6); c.2913del, p.Ala972fs (NM_001374253.1); short protein forms A972fs, A1009fs.
Identifiers: ClinVar variation 2035666 (VCV002035666.4), dbSNP rs2470014730, ClinGen allele CA2580068377.
Genomic context (GRCh38, chr3:10,081,146, plus strand): 5'-TGCATTTATTATAGAACAAAGGAAGCCGGAATATTGGATTCTCACATCTCCAACAGAGAT[CT>C]GCCCAAGAAATTGTTCATTGTGTTTTTCAACTGCTGACCCCAATGTGTAACCACCTGGAG-3'